The following is an entry in ClinVar:

NM_001084.5(PLOD3):c.986C>T (p.Thr329Ile)

Gene: PLOD3 (procollagen-lysine,2-oxoglutarate 5-dioxygenase 3; minus strand). Cytogenetic location: 7q22.1.
Variant type: single nucleotide variant.
Coding change: c.986C>T on transcript NM_001084.5 (MANE Select); coding-DNA position 986, C replaced by T.
Protein change: p.Thr329Ile; replaces threonine 329 with isoleucine.
Molecular consequence: missense variant.
Genome position (GRCh38, 1-based): chr7:101,212,549, G>A on the plus strand (C>T on the coding strand, the complement: PLOD3 is on the minus strand). VCF-style: chr7-101212549-G-A. GRCh37 (hg19) VCF-style: chr7-100855830-G-A.
Other names: short protein forms T329I.
Identifiers: ClinVar variation 1388070 (VCV001388070.6), dbSNP rs756547572, ClinGen allele CA4407912.

ClinVar aggregate classification (germline): Uncertain significance (1 of 4 stars; one submission).

Allele frequency attached by ClinVar (database versions not stated): ExAC 0.00001.

Submission:

Labcorp Genetics (formerly Invitae), Labcorp
Classification: Uncertain significance. Last evaluated: 2021-11-25. Review status: criteria provided, single submitter. Criteria: Invitae Variant Classification Sherloc (09022015). Collection method: clinical testing. Allele origin: germline.
Comment: In summary, the available evidence is currently insufficient to determine the role of this variant in disease. Therefore, it has been classified as a Variant of Uncertain Significance. Algorithms developed to predict the effect of missense changes on protein structure and function (SIFT, PolyPhen-2, Align-GVGD) all suggest that this variant is likely to be tolerated. This variant has not been reported in the literature in individuals affected with PLOD3-related conditions. This variant is present in population databases (rs756547572, gnomAD no frequency). This sequence change replaces threonine, which is neutral and polar, with isoleucine, which is neutral and non-polar, at codon 329 of the PLOD3 protein (p.Thr329Ile).